The following is an entry in ClinVar:

ClinVar aggregate classification (germline): Uncertain significance (1 of 4 stars; one submission).

Conditions:
Hereditary cancer-predisposing syndrome. Also called: Hereditary neoplastic syndrome; Neoplastic Syndromes, Hereditary; Tumor predisposition; Hereditary Cancer Syndrome. Identifiers: Orphanet 140162, MedGen C0027672, MeSH D009386, MONDO:0015356.

gnomAD v4.1: 1 of 1,591,094 alleles (0.000063%); highest among the groups gnomAD compares: South Asian, 0.0011%; no homozygotes.

Submission:

Ambry Genetics
Classification: Uncertain significance for Hereditary cancer-predisposing syndrome. Last evaluated: 2025-06-19. Review status: criteria provided, single submitter. Criteria: Ambry Variant Classification Scheme 2023. Collection method: clinical testing. Allele origin: germline.
Comment: The p.E456Q variant (also known as c.1366G>C), located in coding exon 10 of the POT1 gene, results from a G to C substitution at nucleotide position 1366. The glutamic acid at codon 456 is replaced by glutamine, an amino acid with highly similar properties. This amino acid position is conserved. In addition, this alteration is predicted to be tolerated by in silico analysis. Based on the available evidence, the clinical significance of this variant remains unclear.

NM_015450.3(POT1):c.1366G>C (p.Glu456Gln)

Gene: POT1 (protection of telomeres 1; minus strand). Cytogenetic location: 7q31.33.
Variant type: single nucleotide variant.
Coding change: c.1366G>C on transcript NM_015450.3 (MANE Select); coding-DNA position 1366, G replaced by C.
Protein change: p.Glu456Gln; replaces glutamic acid 456 with glutamine.
Molecular consequence: missense variant. On other transcripts: non-coding transcript variant (3).
Genome position (GRCh38, 1-based): chr7:124,840,976, C>G on the plus strand (G>C on the coding strand, the complement: POT1 is on the minus strand). VCF-style: chr7-124840976-C-G. GRCh37 (hg19) VCF-style: chr7-124481030-C-G.
Other names: c.973G>C, p.Glu325Gln (NM_001042594.2); short protein forms E325Q, E456Q.
Identifiers: ClinVar variation 4141920 (VCV004141920.1).